The following is an entry in ClinVar:

NM_003476.5(CSRP3):c.543del (p.Ile181fs)

Gene: CSRP3 (cysteine and glycine rich protein 3; minus strand). Cytogenetic location: 11p15.1.
Variant type: Deletion.
Coding change: c.543del on transcript NM_003476.5 (MANE Select); coding-DNA position 543, one base deleted (T; older notation c.543delT).
Protein change: p.Ile181fs; shifts the reading frame from isoleucine 181.
Molecular consequence: frameshift variant.
Genome position (GRCh38, 1-based): chr11:19,182,712, A deleted on the plus strand (T on the coding strand, the reverse complement: CSRP3 is on the minus strand); the first of 2 consecutive A bases (chr11:19,182,712-19,182,713); deleting either gives the same sequence. VCF-style (leftmost placement, unchanged base first): chr11-19182711-CA-C. GRCh37 (hg19) VCF-style: chr11-19204258-CA-C.
Other names: c.374del, p.Leu125fs (NM_001369404.1); short protein forms I181fs, L125fs.
Identifiers: ClinVar variation 1304985 (VCV001304985.2), dbSNP rs1850456329, ClinGen allele CA935654540.
Genomic context (GRCh38, chr11:19,182,711, plus strand): 5'-TGAGAAACGGCGCACCTCTTCATTCTTTCTTTTCCACTTGTTGTGTAAGGCCTCCAAACC[CA>C]ATACCCGTGGGGCCAAAATTTTTGGCATAGCAAACTGTGAATGAGAAGAGGATGAAGGGA-3'

ClinVar aggregate classification (germline): Uncertain significance (1 of 4 stars; one submission).

Submission:

GeneDx
Classification: Uncertain significance. Last evaluated: 2019-04-11. Review status: criteria provided, single submitter. Criteria: GeneDx Variant Classification Process June 2021. Collection method: clinical testing. Allele origin: germline. Affected: yes.
Comment: Frameshift variant predicted to result in protein length extension as the last 14 amino acids are lost and replaced with 26 incorrect amino acids, although no pathogenic variants have been reported downstream of this position in the protein (Stenson et al., 2014); Not observed in large population cohorts (Lek et al., 2016); Has not been previously published as pathogenic or benign to our knowledge